The following is an entry in ClinVar:

NM_000384.3(APOB):c.10514T>C (p.Leu3505Pro)

Gene: APOB (apolipoprotein B; minus strand). Cytogenetic location: 2p24.1.
Variant type: single nucleotide variant.
Coding change: c.10514T>C on transcript NM_000384.3 (MANE Select); coding-DNA position 10514, T replaced by C.
Protein change: p.Leu3505Pro; replaces leucine 3505 with proline.
Molecular consequence: missense variant.
Genome position (GRCh38, 1-based): chr2:21,006,354, A>G on the plus strand (T>C on the coding strand, the complement: APOB is on the minus strand). VCF-style: chr2-21006354-A-G. GRCh37 (hg19) VCF-style: chr2-21229226-A-G.
Other names: short protein forms L3505P.
Identifiers: ClinVar variation 2586196 (VCV002586196.4), dbSNP rs977746971, ClinGen allele CA43495581.
Genomic context (GRCh38, chr2:21,006,354, plus strand): 5'-CTCTTGGAATTCAAGTAAGTGTTGGCCTCACTAGCAATAGTTCCTGAATATTCCCGAGAA[A>G]GAACCGAACCCTTGACATCTCCTTTGGTAGATGACTCAATGGAAAAGTAAGAGGTGAGGC-3'
Protein context (NP_000375.3, residues 3495-3515): STKGDVKGSV[Leu3505Pro]SREYSGTIAS

ClinVar aggregate classification (germline): Uncertain significance. Review status: criteria provided, multiple submitters, no conflicts (2 of 4 stars). 3 submissions from 3 submitters: Uncertain significance (3). Last evaluated 2025-05-08.

Conditions:
Cardiovascular phenotype. Identifiers: MedGen CN230736.

Allele frequency attached by ClinVar (database versions not stated): gnomAD 0.00001; TOPMed 0.00002.
gnomAD v4.1: 3 of 1,613,938 alleles (0.00019%); highest among the groups gnomAD compares: Admixed American, 0.0033%; no homozygotes.

Submissions (3):

GeneDx
Classification: Uncertain significance. Last evaluated: 2025-05-08. Review status: criteria provided, single submitter. Criteria: GeneDx Variant Classification Process June 2021. Collection method: clinical testing. Allele origin: germline. Affected: yes.
Comment: Not observed at significant frequency in large population cohorts (gnomAD); In silico analysis supports that this missense variant has a deleterious effect on protein structure/function; Has not been previously published as pathogenic or benign to our knowledge

Women's Health and Genetics/Laboratory Corporation of America, LabCorp
Classification: Uncertain significance. Last evaluated: 2024-07-27. Review status: criteria provided, single submitter. Criteria: LabCorp Variant Classification Summary - May 2015. Collection method: clinical testing. Allele origin: germline.

Ambry Genetics
Classification: Uncertain significance for Cardiovascular phenotype. Last evaluated: 2023-09-06. Review status: criteria provided, single submitter. Criteria: Ambry Variant Classification Scheme 2023. Collection method: clinical testing. Allele origin: germline.
Comment: The p.L3505P variant (also known as c.10514T>C), located in coding exon 26 of the APOB gene, results from a T to C substitution at nucleotide position 10514. The leucine at codon 3505 is replaced by proline, an amino acid with similar properties. This amino acid position is conserved. In addition, the in silico prediction for this alteration is inconclusive. Since supporting evidence is limited at this time, the clinical significance of this alteration remains unclear.